The following is an entry in ClinVar:

NM_015102.5(NPHP4):c.2428C>G (p.Pro810Ala)

Gene: NPHP4 (nephrocystin 4; minus strand). Cytogenetic location: 1p36.31.
Variant type: single nucleotide variant.
Coding change: c.2428C>G on transcript NM_015102.5 (MANE Select); coding-DNA position 2428, C replaced by G.
Protein change: p.Pro810Ala; replaces proline 810 with alanine.
Molecular consequence: missense variant. On other transcripts: non-coding transcript variant (1).
Genome position (GRCh38, 1-based): chr1:5,887,343, G>C on the plus strand (C>G on the coding strand, the complement: NPHP4 is on the minus strand). VCF-style: chr1-5887343-G-C. GRCh37 (hg19) VCF-style: chr1-5947403-G-C.
Other names: c.889C>G, p.Pro297Ala (NM_001291593.2); c.892C>G, p.Pro298Ala (NM_001291594.2); short protein forms P297A, P298A, P810A.
Identifiers: ClinVar variation 1020864 (VCV001020864.8), dbSNP rs1643876772, ClinGen allele CA338058627.

ClinVar aggregate classification (germline): Uncertain significance (1 of 4 stars; one submission).

Conditions:
Nephronophthisis. Also called: Juvenile Nephronophthisis. Identifiers: Orphanet 655, MedGen C0687120, MONDO:0019005, HP:0000090.

Submission:

Labcorp Genetics (formerly Invitae), Labcorp
Classification: Uncertain significance for Nephronophthisis. Last evaluated: 2024-10-08. Review status: criteria provided, single submitter. Criteria: Invitae Variant Classification Sherloc (09022015). Collection method: clinical testing. Allele origin: germline.
Comment: This sequence change replaces proline, which is neutral and non-polar, with alanine, which is neutral and non-polar, at codon 810 of the NPHP4 protein (p.Pro810Ala). This variant is not present in population databases (gnomAD no frequency). This variant has not been reported in the literature in individuals affected with NPHP4-related conditions. ClinVar contains an entry for this variant (Variation ID: 1020864). Invitae Evidence Modeling of protein sequence and biophysical properties (such as structural, functional, and spatial information, amino acid conservation, physicochemical variation, residue mobility, and thermodynamic stability) has been performed for this missense variant. However, the output from this modeling did not meet the statistical confidence thresholds required to predict the impact of this variant on NPHP4 protein function. In summary, the available evidence is currently insufficient to determine the role of this variant in disease. Therefore, it has been classified as a Variant of Uncertain Significance.